The following is an entry in ClinVar:

ClinVar aggregate classification (germline): Benign. Review status: criteria provided, multiple submitters, no conflicts (2 of 4 stars). 3 submissions from 3 submitters: Benign (2). 1 of the submissions does not count toward it. Last evaluated 2019-12-31.

Conditions:
MAP1B-related disorder. Also called: MAP1B-related condition.

Allele frequency attached by ClinVar (database versions not stated): gnomAD 0.00525 and 0.00570; gnomAD exomes 0.00049 and 0.00130; ExAC 0.00161; 1000 Genomes Project 0.00379; 1000 Genomes Project 30x 0.00390; TOPMed 0.00616; ESP Exome Variant Server 0.00623.
gnomAD v4.1: 1,543 of 1,614,114 alleles (0.096%); highest among the groups gnomAD compares: African/African-American, 1.8%; 21 homozygotes.

Submissions (3):

Labcorp Genetics (formerly Invitae), Labcorp
Classification: Benign. Last evaluated: 2019-12-31. Review status: criteria provided, single submitter. Criteria: Invitae Variant Classification Sherloc (09022015). Collection method: clinical testing. Allele origin: germline.

Breakthrough Genomics
Classification: Benign. Review status: criteria provided, single submitter. Criteria: ACMG Guidelines, 2015. Collection method: not provided. Allele origin: germline. Inheritance: Autosomal dominant inheritance. Affected: yes.

PreventionGenetics, part of Exact Sciences
Classification: Benign for MAP1B-related condition. Last evaluated: 2019-07-12. Review status: no assertion criteria provided. Collection method: clinical testing. Allele origin: germline. Not counted in ClinVar's aggregate classification.
Comment: This variant is classified as benign based on ACMG/AMP sequence variant interpretation guidelines (Richards et al. 2015 PMID: 25741868, with internal and published modifications).

NM_005909.5(MAP1B):c.2727T>C (p.Pro909=)

Gene: MAP1B (microtubule associated protein 1B; plus strand). Cytogenetic location: 5q13.2.
Variant type: single nucleotide variant.
Coding change: c.2727T>C on transcript NM_005909.5 (MANE Select); coding-DNA position 2727, T replaced by C.
Protein change: p.Pro909=; no amino-acid change (proline 909 retained).
Molecular consequence: synonymous variant.
Genome position (GRCh38, 1-based): chr5:72,196,082, T>C. VCF-style: chr5-72196082-T-C. GRCh37 (hg19) VCF-style: chr5-71491909-T-C.
Other names: c.2349T>C, p.Pro783= (NM_001324255.2).
Identifiers: ClinVar variation 787034 (VCV000787034.7), dbSNP rs16876072, ClinGen allele CA3298877.